The following is an entry in ClinVar:

ClinVar aggregate classification (germline): Uncertain significance (1 of 4 stars; one submission).

Conditions:
Long QT syndrome (LQTS). Identifiers: MedGen C0023976, MeSH D008133, MONDO:0002442. Disease mechanism: loss of function. Inheritance: Various modes of inheritance.

Submission:

All of Us Research Program, National Institutes of Health
Classification: Uncertain significance for Long QT syndrome. Last evaluated: 2023-08-28. Review status: criteria provided, single submitter. Criteria: ACMG Guidelines, 2015. Collection method: clinical testing. Allele origin: germline. Inheritance: Autosomal dominant inheritance. Observed: 1 variant allele, 1 heterozygote.
Comment: This missense variant replaces phenylalanine with leucine at codon 1000 of the KCNH2 protein. Computational prediction is inconclusive regarding the impact of this variant on protein structure and function (internally defined REVEL score threshold 0.5 < inconclusive < 0.7, PMID: 27666373). To our knowledge, functional studies have not been reported for this variant. This variant has not been reported in individuals affected with KCNH2-related disorders in the literature. This variant has not been identified in the general population by the Genome Aggregation Database (gnomAD). The available evidence is insufficient to determine the role of this variant in disease conclusively. Therefore, this variant is classified as a Variant of Uncertain Significance.

This study involves interpretation of variants in research participants for the purpose of population health screening. Participant phenotype was not available at the time of variant classification. Additional details can be found in publication PMID: 35346344, PMCID: PMC8962531

NM_000238.4(KCNH2):c.2998T>C (p.Phe1000Leu)

Gene: KCNH2 (potassium voltage-gated channel subfamily H member 2; minus strand). Cytogenetic location: 7q36.1.
Variant type: single nucleotide variant.
Coding change: c.2998T>C on transcript NM_000238.4 (MANE Select); coding-DNA position 2998, T replaced by C.
Protein change: p.Phe1000Leu; replaces phenylalanine 1000 with leucine.
Molecular consequence: missense variant. On other transcripts: non-coding transcript variant (2).
Genome position (GRCh38, 1-based): chr7:150,947,482, A>G on the plus strand (T>C on the coding strand, the complement: KCNH2 is on the minus strand). VCF-style: chr7-150947482-A-G. GRCh37 (hg19) VCF-style: chr7-150644570-A-G.
Other names: c.2710T>C, p.Phe904Leu (NM_001406753.1); c.1978T>C, p.Phe660Leu (NM_172057.3); short protein forms F1000L, F660L, F904L.
Identifiers: ClinVar variation 3073234 (VCV003073234.1), dbSNP rs2486005191, ClinGen allele CA369852953.
Genomic context (GRCh38, chr7:150,947,482, plus strand): 5'-GGGTGGGGGCGGGGCATCGAGGGAGCTCCTGGTACTGGCGGCCCCGACTGTCCCCCCAGA[A>G]GCTGAAAATGTTGGACACTCCTGAGAAGGCGCCTGCAGCCAGAGAGCAGAGCTGGGTGAG-3'
Protein context (NP_000229.1, residues 990-1010): AFSGVSNIFS[Phe1000Leu]WGDSRGRQYQ